The following is an entry in ClinVar:

ClinVar aggregate classification (germline): Uncertain significance (1 of 4 stars; one submission).

Submission:

Labcorp Genetics (formerly Invitae), Labcorp
Classification: Uncertain significance. Last evaluated: 2024-05-21. Review status: criteria provided, single submitter. Criteria: Invitae Variant Classification Sherloc (09022015). Collection method: clinical testing. Allele origin: germline.
Comment: This sequence change replaces phenylalanine, which is neutral and non-polar, with tyrosine, which is neutral and polar, at codon 133 of the KCNJ11 protein (p.Phe133Tyr). This variant is not present in population databases (gnomAD no frequency). This variant has not been reported in the literature in individuals affected with KCNJ11-related conditions. Advanced modeling of protein sequence and biophysical properties (such as structural, functional, and spatial information, amino acid conservation, physicochemical variation, residue mobility, and thermodynamic stability) has been performed at Invitae for this missense variant, however the output from this modeling did not meet the statistical confidence thresholds required to predict the impact of this variant on KCNJ11 protein function. Experimental studies have shown that this missense change affects KCNJ11 function (PMID: 11585848). In summary, the available evidence is currently insufficient to determine the role of this variant in disease. Therefore, it has been classified as a Variant of Uncertain Significance.

Literature cited by the submitters: PubMed 11585848.

NM_000525.4(KCNJ11):c.398T>A (p.Phe133Tyr)

Gene: KCNJ11 (potassium inwardly rectifying channel subfamily J member 11; minus strand). Cytogenetic location: 11p15.1.
Variant type: single nucleotide variant.
Coding change: c.398T>A on transcript NM_000525.4 (MANE Select); coding-DNA position 398, T replaced by A.
Protein change: p.Phe133Tyr; replaces phenylalanine 133 with tyrosine.
Molecular consequence: missense variant.
Genome position (GRCh38, 1-based): chr11:17,387,694, A>T on the plus strand (T>A on the coding strand, the complement: KCNJ11 is on the minus strand). VCF-style: chr11-17387694-A-T. GRCh37 (hg19) VCF-style: chr11-17409241-A-T.
Other names: c.137T>A, p.Phe46Tyr (NM_001166290.2, NM_001377296.1, NM_001377297.1); short protein forms F133Y, F46Y.
Identifiers: ClinVar variation 3632760 (VCV003632760.2).
Genomic context (GRCh38, chr11:17,387,694, plus strand): 5'-TTCTGCACGATGAGGATCAGGATGGCCAGTGGGCACTCCTCAGTCACCATGCGCCCCCCA[A>T]AGCCAATAGTCACTTGGACCTCAATGGAGAAAAGGAAGGCAGACGAGAAGGAGTGGATGC-3'
Protein context (NP_000516.3, residues 123-143): FSIEVQVTIG[Phe133Tyr]GGRMVTEECP